The following is an entry in ClinVar:

NM_005670.4(EPM2A):c.446T>C (p.Ile149Thr)

Gene: EPM2A (EPM2A glucan phosphatase, laforin; minus strand). Cytogenetic location: 6q24.3.
Variant type: single nucleotide variant.
Coding change: c.446T>C on transcript NM_005670.4 (MANE Select); coding-DNA position 446, T replaced by C.
Protein change: p.Ile149Thr; replaces isoleucine 149 with threonine.
Molecular consequence: missense variant. On other transcripts: 5 prime UTR variant (2), non-coding transcript variant (1).
Genome position (GRCh38, 1-based): chr6:145,686,152, A>G on the plus strand (T>C on the coding strand, the complement: EPM2A is on the minus strand). VCF-style: chr6-145686152-A-G. GRCh37 (hg19) VCF-style: chr6-146007288-A-G.
Other names: p.I149T:ATT>ACT; c.446T>C, p.Ile149Thr (NM_001018041.2, NM_001360057.2, NM_001368130.1); c.32T>C, p.Ile11Thr (NM_001360064.2, NM_001360071.2, NM_001368131.1); c.-178T>C (NM_001368129.2, NM_001368132.1); short protein forms I149T, I11T.
Identifiers: ClinVar variation 205439 (VCV000205439.9), dbSNP rs796052430, ClinGen allele CA314510.
Genomic context (GRCh38, chr6:145,686,152, plus strand): 5'-CTATGCCTATAAATATAGCACTATTTTTACCTTGAATAATGCATGGCTTGGTGGCCTGCA[A>G]TATTAAAATAGAAGTCTGTTGTGTGCTTCATTTCATTGGTGTGCCCAGTGGCCTCAATCC-3'
Protein context (NP_005661.1, residues 139-159): MKHTTDFYFN[Ile149Thr]AGHQAMHYSR

ClinVar aggregate classification (germline): Uncertain significance. Review status: criteria provided, multiple submitters, no conflicts (2 of 4 stars). 3 submissions from 3 submitters: Uncertain significance (3). Last evaluated 2024-10-25.

Conditions:
Inborn genetic diseases. Identifiers: MedGen C0950123, MeSH D030342.
Progressive myoclonic epilepsy. Also called: Familial progressive myoclonic epilepsy; Myoclonus epilepsy; Progressive myoclonus epilepsy; Myoclonic Epilepsies, Progressive. Identifiers: Orphanet 308, Orphanet 98261, MedGen C0751778, MONDO:0020074.

Allele frequency attached by ClinVar (database versions not stated): gnomAD exomes below 0.00001; gnomAD 0.00002; TOPMed 0.00004.
gnomAD v4.1: 7 of 1,613,846 alleles (0.00043%); highest among the groups gnomAD compares: Admixed American, 0.0067%; no homozygotes.

Submissions (3):

Ambry Genetics
Classification: Uncertain significance for Inborn genetic diseases. Last evaluated: 2024-10-25. Review status: criteria provided, single submitter. Criteria: Ambry Variant Classification Scheme 2023. Collection method: clinical testing. Allele origin: germline.

Labcorp Genetics (formerly Invitae), Labcorp
Classification: Uncertain significance for Progressive myoclonic epilepsy. Last evaluated: 2022-07-04. Review status: criteria provided, single submitter. Criteria: Invitae Variant Classification Sherloc (09022015). Collection method: clinical testing. Allele origin: germline.
Comment: This sequence change replaces isoleucine, which is neutral and non-polar, with threonine, which is neutral and polar, at codon 149 of the EPM2A protein (p.Ile149Thr). This variant is not present in population databases (gnomAD no frequency). This variant has not been reported in the literature in individuals affected with EPM2A-related conditions. ClinVar contains an entry for this variant (Variation ID: 205439). Algorithms developed to predict the effect of missense changes on protein structure and function are either unavailable or do not agree on the potential impact of this missense change (SIFT: "Deleterious"; PolyPhen-2: "Possibly Damaging"; Align-GVGD: "Class C0"). In summary, the available evidence is currently insufficient to determine the role of this variant in disease. Therefore, it has been classified as a Variant of Uncertain Significance.

GeneDx
Classification: Uncertain significance. Last evaluated: 2013-10-16. Review status: criteria provided, single submitter. Criteria: GeneDx Variant Classification (06012015). Collection method: clinical testing. Allele origin: germline. Affected: yes.
Comment: p.Ile149Thr (ATT>ACT): c.446 T>C in exon 2 of the EPM2A gene (NM_005670.3). The Ile149Thr missense change has not been published as a mutation, nor has it been reported as a benign polymorphism to our knowledge. It was not observed in approximately 6,500 individuals of European and African American ancestry in the NHLBI Exome Sequencing Project, indicating it is not a common benign variant in these populations. This variant is a non-conservative amino acid substitution of a non-polar Isoleucine residue with a polar Threonine residue. It alters at a position that is not highly conserved across species; however, other nearby missense mutations (K140N and N148Y) have been reported in association with Lafora disease. In silico analysis predicts this variant is probably damaging to the protein structure/function. Therefore, based on the currently available information, it is unclear whether Ile149Thr is a disease-causing mutation or a rare benign variant. The variant is found in EPILEPSY panel(s).